The following is an entry in ClinVar:

ClinVar aggregate classification (germline): Likely benign. Review status: criteria provided, single submitter (1 of 4 stars). 2 submissions from 2 submitters: Likely benign (1). 1 of the submissions does not count toward it. Last evaluated 2025-12-22.

Conditions:
NBAS-related disorder. Also called: NBAS-related condition.

Allele frequency attached by ClinVar (database versions not stated): ExAC 0.00001; gnomAD 0.00004; TOPMed 0.00006; gnomAD exomes 0.00011; ESP Exome Variant Server 0.00015.
gnomAD v4.1: 167 of 1,614,164 alleles (0.01%); highest among the groups gnomAD compares: Non-Finnish European, 0.014%; no homozygotes.

Submissions (2):

Labcorp Genetics (formerly Invitae), Labcorp
Classification: Likely benign. Last evaluated: 2025-12-22. Review status: criteria provided, single submitter. Criteria: Invitae Variant Classification Sherloc (09022015). Collection method: clinical testing. Allele origin: germline.

PreventionGenetics, part of Exact Sciences
Classification: Likely benign for NBAS-related condition. Last evaluated: 2023-07-12. Review status: no assertion criteria provided. Collection method: clinical testing. Allele origin: germline. Not counted in ClinVar's aggregate classification.
Comment: This variant is classified as likely benign based on ACMG/AMP sequence variant interpretation guidelines (Richards et al. 2015 PMID: 25741868, with internal and published modifications).

NM_015909.4(NBAS):c.6354C>T (p.His2118=)

Gene: NBAS (NBAS subunit of NRZ tethering complex; minus strand). Cytogenetic location: 2p24.3.
Variant type: single nucleotide variant.
Coding change: c.6354C>T on transcript NM_015909.4 (MANE Select); coding-DNA position 6354, C replaced by T.
Protein change: p.His2118=; no amino-acid change (histidine 2118 retained).
Molecular consequence: synonymous variant.
Genome position (GRCh38, 1-based): chr2:15,218,851, G>A on the plus strand (C>T on the coding strand, the complement: NBAS is on the minus strand). VCF-style: chr2-15218851-G-A. GRCh37 (hg19) VCF-style: chr2-15358975-G-A.
Other names: c.6354C>T (NM_015909.3).
Identifiers: ClinVar variation 1901680 (VCV001901680.7), dbSNP rs374768832, ClinGen allele CA1535029.
Genomic context (GRCh38, chr2:15,218,851, plus strand): 5'-GGCTTTGAGAATGGCTTCAGTTCTAAAGAACACGAGGAGCTTGCTGTCCTCCTCAGTCAG[G>A]TGAAATGATTGCCCCAAAATCTGCAGCACGTGAATGCGGGGCCGCACCGGCCAGGCGTCA-3'
Protein context (NP_056993.2, residues 2108-2128): HVLQILGQSF[His2118=]LTEEDSKLLV